The following is an entry in ClinVar:

ClinVar aggregate classification (germline): Likely pathogenic. Review status: criteria provided, multiple submitters, no conflicts (2 of 4 stars). 2 submissions from 2 submitters: Likely pathogenic (2). Last evaluated 2025-01-21.

Conditions:
Autosomal recessive limb-girdle muscular dystrophy type 2J (LGMDR10). Also called: Limb-girdle muscular dystrophy, type 2J; MUSCULAR DYSTROPHY, LIMB-GIRDLE, AUTOSOMAL RECESSIVE 10. Identifiers: Orphanet 140922, MedGen C1837342, MONDO:0012127, OMIM 608807.
Dilated cardiomyopathy 1G (CMD1G). Identifiers: Orphanet 154, MedGen C1858763, MONDO:0011400, OMIM 604145.

Submissions (2):

GeneDx
Classification: Likely pathogenic. Last evaluated: 2025-01-21. Review status: criteria provided, single submitter. Criteria: GeneDx Variant Classification Process June 2021. Collection method: clinical testing. Allele origin: germline. Affected: yes.
Comment: Frameshift variant predicted to result in protein truncation or nonsense mediated decay in a gene for which loss of function is a known mechanism of disease; Located in the A-band, a region of TTN for which truncating variants are significantly associated with autosomal dominant cardiomyopathy and also with autosomal recessive skeletal myopathies (PMID: 22335739, 32778822); Not observed at significant frequency in large population cohorts (gnomAD); Has not been previously published as pathogenic or benign to our knowledge; This variant is associated with the following publications: (PMID: 22335739, 32778822)

Labcorp Genetics (formerly Invitae), Labcorp
Classification: Likely pathogenic for Dilated cardiomyopathy 1G; Autosomal recessive limb-girdle muscular dystrophy type 2J. Last evaluated: 2024-06-17. Review status: criteria provided, single submitter. Criteria: Invitae Variant Classification Sherloc (09022015). Collection method: clinical testing. Allele origin: germline.
Comment: This sequence change creates a premature translational stop signal (p.Cys16368Serfs*10) in the TTN gene. While this is not anticipated to result in nonsense mediated decay, it is expected to create a truncated TTN protein. This variant is not present in population databases (gnomAD no frequency). This premature translational stop signal has been observed in individual(s) with clinical features of TTN-related conditions (Invitae). ClinVar contains an entry for this variant (Variation ID: 817178). This variant is located in the A band of TTN (PMID: 25589632). Truncating variants in this region are significantly overrepresented in patients affected with dilated cardiomyopathy (PMID: 25589632). Truncating variants in this region have also been reported in individuals affected with autosomal recessive centronuclear myopathy (PMID: 23975875). In summary, the currently available evidence indicates that the variant is pathogenic, but additional data are needed to prove that conclusively. Therefore, this variant has been classified as Likely Pathogenic.

Literature cited by the submitters: PubMed 25589632 (cited by Labcorp Genetics (formerly Invitae), Labcorp); PubMed 23975875 (cited by Labcorp Genetics (formerly Invitae), Labcorp).

NM_001267550.2(TTN):c.49101_49102del (p.Cys16368fs)

Genes: TTN-AS1 (TTN antisense RNA 1; plus strand), TTN (titin; minus strand), LOC126806426 (BRD4-independent group 4 enhancer GRCh37_chr2:179478848-179480047; plus strand). Cytogenetic location: 2q31.2.
Variant type: Deletion.
Coding change: c.49101_49102del on transcript NM_001267550.2 (MANE Select); coding-DNA positions 49101 to 49102, 2 bases deleted (AT; older notation c.49101_49102delAT).
Protein change: p.Cys16368fs; shifts the reading frame from cysteine 16368.
Molecular consequence: frameshift variant. On other transcripts: non-coding transcript variant (1).
Genome position (GRCh38, 1-based): chr2:178,614,295-178,614,296, AT deleted on the plus strand (AT on the coding strand, the reverse complement: TTN is on the minus strand). VCF-style (leftmost placement, unchanged base first): chr2-178614294-CAT-C. GRCh37 (hg19) VCF-style: chr2-179479021-CAT-C.
Other names: c.44178_44179del, p.Cys14727fs (NM_001256850.1); c.21906_21907del, p.Cys7303fs (NM_003319.4); c.41397_41398del, p.Cys13800fs (NM_133378.4); c.22281_22282del, p.Cys7428fs (NM_133432.3); c.22482_22483del, p.Cys7495fs (NM_133437.4); c.44178_44179delAT (NM_001256850.1); c.49101_49102del (NM_001267550.1); short protein forms C13800fs, C16368fs, C7495fs, C7303fs, C14727fs, C7428fs.
Identifiers: ClinVar variation 817178 (VCV000817178.12), dbSNP rs1576457869, ClinGen allele CA915942240.